The following is an entry in ClinVar:

ClinVar aggregate classification (germline): Pathogenic (1 of 4 stars; one submission).

Conditions:
Intellectual disability, CASK-related, X-linked. Identifiers: MedGen CN043158.

Submission:

Labcorp Genetics (formerly Invitae), Labcorp
Classification: Pathogenic for Intellectual disability, CASK-related, X-linked. Last evaluated: 2023-02-24. Review status: criteria provided, single submitter. Criteria: Invitae Variant Classification Sherloc (09022015). Collection method: clinical testing. Allele origin: germline.
Comment: For these reasons, this variant has been classified as Pathogenic. This variant has not been reported in the literature in individuals affected with CASK-related conditions. This variant is not present in population databases (gnomAD no frequency). This sequence change creates a premature translational stop signal (p.Met555Cysfs*63) in the CASK gene. It is expected to result in an absent or disrupted protein product. Loss-of-function variants in CASK are known to be pathogenic (PMID: 19165920, 20029458, 21954287, 22452838, 22709267).

Literature cited by the submitters: PubMed 19165920; PubMed 20029458; PubMed 21954287; PubMed 22452838; PubMed 22709267.

NM_001367721.1(CASK):c.1663del (p.Met555fs)

Gene: CASK (calcium/calmodulin dependent serine protein kinase; minus strand). Cytogenetic location: Xp11.4.
Variant type: Deletion.
Coding change: c.1663del on transcript NM_001367721.1 (MANE Select); coding-DNA position 1663, one base deleted (A; older notation c.1663delA).
Protein change: p.Met555fs; shifts the reading frame from methionine 555.
Molecular consequence: frameshift variant.
Genome position (GRCh38, 1-based): chrX:41,561,564, T deleted on the plus strand (A on the coding strand, the reverse complement: CASK is on the minus strand); the first of 6 consecutive T bases (chrX:41,561,564-41,561,569); deleting any one gives the same sequence. VCF-style (leftmost placement, unchanged base first): chrX-41561563-AT-A. GRCh37 (hg19) VCF-style: chrX-41420816-AT-A.
Other names: c.1663del, p.Met555fs (NM_001126054.3, NM_003688.4); c.1645del, p.Met549fs (NM_001126055.3, NM_001410745.1); short protein forms M549fs, M555fs.
Identifiers: ClinVar variation 2840571 (VCV002840571.3), dbSNP rs2519772661, ClinGen allele CA2693495410.